The following is an entry in ClinVar:

NM_000064.4(C3):c.4570G>C (p.Asp1524His)

Gene: C3 (complement C3; minus strand). Cytogenetic location: 19p13.3.
Variant type: single nucleotide variant.
Coding change: c.4570G>C on transcript NM_000064.4 (MANE Select); coding-DNA position 4570, G replaced by C.
Protein change: p.Asp1524His; replaces aspartic acid 1524 with histidine.
Molecular consequence: missense variant.
Genome position (GRCh38, 1-based): chr19:6,679,185, C>G on the plus strand (G>C on the coding strand, the complement: C3 is on the minus strand). VCF-style: chr19-6679185-C-G. GRCh37 (hg19) VCF-style: chr19-6679196-C-G.
Other names: c.4570G>C (NM_000064.3); short protein forms D1524H.
Identifiers: ClinVar variation 3135989 (VCV003135989.3), dbSNP rs377101999, ClinGen allele CA9128341.
Genomic context (GRCh38, chr19:6,679,185, plus strand): 5'-CATAGTCCACTCCTGGCTCACAGGCCTTGTCCAGCCGTTCTTCCAGGGTGACCTTGTCAT[C>G]CGACTTTTGTATGAAGCAATTCTCTGCAGGGTGGGGTGGAGACAGGGTCTAAGTCCCACT-3'
Protein context (NP_000055.2, residues 1514-1534): AEENCFIQKS[Asp1524His]DKVTLEERLD

ClinVar aggregate classification (germline): Uncertain significance. Review status: criteria provided, multiple submitters, no conflicts (2 of 4 stars). 3 submissions from 3 submitters: Uncertain significance (3). Last evaluated 2025-08-14.

Conditions:
Complement component 3 deficiency. Identifiers: Orphanet 280133, MedGen C3151071, MONDO:0013417, OMIM 613779.
Atypical hemolytic-uremic syndrome with C3 anomaly. Also called: AHUS, SUSCEPTIBILITY TO, 5. Identifiers: Orphanet 2134, MedGen C2752037, MONDO:0013043, OMIM 612925.
Age related macular degeneration 9. Identifiers: MedGen C1969651, MONDO:0012659, OMIM 611378.
Inborn genetic diseases. Identifiers: MedGen C0950123, MeSH D030342.

Allele frequency attached by ClinVar (database versions not stated): gnomAD exomes below 0.00001; ExAC 0.00002; TOPMed 0.00003; gnomAD 0.00004; ESP Exome Variant Server 0.00008; 1000 Genomes Project 0.00020; 1000 Genomes Project 30x 0.00031.
gnomAD v4.1: 8 of 1,614,212 alleles (0.0005%); highest among the groups gnomAD compares: African/African-American, 0.0093%; no homozygotes.

Submissions (3):

GeneDx
Classification: Uncertain significance. Last evaluated: 2025-08-14. Review status: criteria provided, single submitter. Criteria: GeneDx Variant Classification Process June 2021. Collection method: clinical testing. Allele origin: germline. Affected: yes.
Comment: In silico analysis suggests that this missense variant does not alter protein structure/function; Has not been previously published as pathogenic or benign to our knowledge

Fulgent Genetics
Classification: Uncertain significance for Age related macular degeneration 9; Atypical hemolytic-uremic syndrome with C3 anomaly; Complement component 3 deficiency. Last evaluated: 2024-04-22. Review status: criteria provided, single submitter. Criteria: ACMG Guidelines, 2015. Collection method: clinical testing. Allele origin: germline.

Ambry Genetics
Classification: Uncertain significance for Inborn genetic diseases. Last evaluated: 2024-01-23. Review status: criteria provided, single submitter. Criteria: Ambry Variant Classification Scheme 2023. Collection method: clinical testing. Allele origin: germline.